The following is an entry in ClinVar:

NM_006904.7(PRKDC):c.42G>A (p.Arg14=)

Genes: PRKDC (protein kinase, DNA-activated, catalytic subunit; minus strand), LOC129929030 (ATAC-STARR-seq lymphoblastoid silent region 19177; plus strand). Cytogenetic location: 8q11.21.
Variant type: single nucleotide variant.
Coding change: c.42G>A on transcript NM_006904.7 (MANE Select); coding-DNA position 42, G replaced by A.
Protein change: p.Arg14=; no amino-acid change (arginine 14 retained).
Molecular consequence: synonymous variant.
Genome position (GRCh38, 1-based): chr8:47,960,085, C>T on the plus strand (G>A on the coding strand, the complement: PRKDC is on the minus strand). VCF-style: chr8-47960085-C-T. GRCh37 (hg19) VCF-style: chr8-48872645-C-T.
Other names: c.42G>A, p.Arg14= (NM_001081640.2).
Identifiers: ClinVar variation 389801 (VCV000389801.43), dbSNP rs564283387, ClinGen allele CA4742117.

ClinVar aggregate classification (germline): Likely benign. Review status: criteria provided, multiple submitters, no conflicts (2 of 4 stars). 9 submissions from 9 submitters: Likely benign (7). 2 of the submissions do not count toward it. Last evaluated 2026-04-20.

Conditions:
Severe combined immunodeficiency due to DNA-PKcs deficiency. Also called: IMMUNODEFICIENCY 26 WITH NEUROLOGIC ABNORMALITIES; Immunodeficiency 26 with or without neurologic abnormalities. Identifiers: Orphanet 317425, MedGen C4014833, MONDO:0014423, OMIM 615966.

Allele frequency attached by ClinVar (database versions not stated): TOPMed 0.00025; gnomAD 0.00031 and 0.00033; gnomAD exomes 0.00034 and 0.00052; 1000 Genomes Project 0.00040; 1000 Genomes Project 30x 0.00047; ExAC 0.00148.
gnomAD v4.1: 536 of 1,529,830 alleles (0.035%); highest among the groups gnomAD compares: Middle Eastern, 0.27%; no homozygotes.

Submissions (9):

Women's Health and Genetics/Laboratory Corporation of America, LabCorp
Classification: Likely benign. Last evaluated: 2026-04-20. Review status: criteria provided, single submitter. Criteria: LabCorp Variant Classification Summary - May 2015. Collection method: clinical testing. Allele origin: germline.

Labcorp Genetics (formerly Invitae), Labcorp
Classification: Likely benign for Severe combined immunodeficiency due to DNA-PKcs deficiency. Last evaluated: 2026-01-12. Review status: criteria provided, single submitter. Criteria: Invitae Variant Classification Sherloc (09022015). Collection method: clinical testing. Allele origin: germline.

Blueprint Genetics
Classification: Likely benign. Last evaluated: 2024-11-27. Review status: criteria provided, single submitter. Criteria: ACMG Guidelines, 2015. Collection method: clinical testing. Allele origin: germline.

CeGaT Center for Human Genetics Tuebingen
Classification: Likely benign. Last evaluated: 2022-09-01. Review status: criteria provided, single submitter. Criteria: CeGaT Center For Human Genetics Tuebingen Variant Classification Criteria Version 2. Collection method: clinical testing. Allele origin: germline. Affected: yes. Observed: 1 variant allele.
Comment: PRKDC: BP4, BS2

Ambry Genetics
Classification: Likely benign. Last evaluated: 2022-02-15. Review status: criteria provided, single submitter. Criteria: Ambry Variant Classification Scheme 2023. Collection method: clinical testing. Allele origin: germline.

GeneDx
Classification: Likely benign. Last evaluated: 2016-10-03. Review status: criteria provided, single submitter. Criteria: GeneDx Variant Classification (06012015). Collection method: clinical testing. Allele origin: germline. Affected: yes.
Comment: This variant is considered likely benign or benign based on one or more of the following criteria: it is a conservative change, it occurs at a poorly conserved position in the protein, it is predicted to be benign by multiple in silico algorithms, and/or has population frequency not consistent with disease.

Breakthrough Genomics
Classification: Likely benign. Review status: criteria provided, single submitter. Criteria: ACMG Guidelines, 2015. Collection method: not provided. Allele origin: germline. Inheritance: Autosomal recessive inheritance. Affected: yes.

Clinical Genetics DNA and cytogenetics Diagnostics Lab, Erasmus MC, Erasmus Medical Center
Classification: Likely benign. Review status: no assertion criteria provided. Collection method: clinical testing. Allele origin: germline. Affected: yes. Study: VKGL Data-share Consensus. Not counted in ClinVar's aggregate classification.

Genome Diagnostics Laboratory, University Medical Center Utrecht
Classification: Likely benign. Review status: no assertion criteria provided. Collection method: clinical testing. Allele origin: germline. Affected: yes. Study: VKGL Data-share Consensus. Not counted in ClinVar's aggregate classification.